The following is an entry in ClinVar:

ClinVar aggregate classification (germline): Pathogenic/Likely pathogenic. Review status: criteria provided, multiple submitters, no conflicts (2 of 4 stars). 6 submissions from 6 submitters: Pathogenic (2); Likely pathogenic (4). Last evaluated 2026-01-05.

Conditions:
Autosomal recessive nonsyndromic hearing loss 77. Identifiers: Orphanet 90636, MedGen C2746083, MONDO:0013119, OMIM 613079.
Nonsyndromic genetic hearing loss. Also called: Nonsyndromic genetic deafness; Nonsyndromic hearing loss and deafness; Non-syndromic genetic deafness. Identifiers: Orphanet 87884, MedGen C5680182, MONDO:0019497.

Allele frequency attached by ClinVar (database versions not stated): gnomAD 0.00001; TOPMed 0.00001; ExAC 0.00006.
gnomAD v4.1: 14 of 1,536,994 alleles (0.00091%); highest among the groups gnomAD compares: East Asian, 0.0024%; no homozygotes.

Submissions (6):

Labcorp Genetics (formerly Invitae), Labcorp
Classification: Pathogenic. Last evaluated: 2026-01-05. Review status: criteria provided, single submitter. Criteria: Invitae Variant Classification Sherloc (09022015). Collection method: clinical testing. Allele origin: germline.
Comment: This sequence change replaces glycine, which is neutral and non-polar, with arginine, which is basic and polar, at codon 881 of the LOXHD1 protein (p.Gly881Arg). This variant is present in population databases (rs759837659, gnomAD 0.004%). This missense change has been observed in individual(s) with deafness (PMID: 29676012, 33753533; internal data). In at least one individual the data is consistent with being in trans (on the opposite chromosome) from a pathogenic variant. It has also been observed to segregate with disease in related individuals. ClinVar contains an entry for this variant (Variation ID: 1875098). An algorithm developed to predict the effect of missense changes on protein structure and function (PolyPhen-2) suggests that this variant is likely to be tolerated. For these reasons, this variant has been classified as Pathogenic.

3billion
Classification: Likely pathogenic for Autosomal recessive nonsyndromic hearing loss 77. Last evaluated: 2025-12-18. Review status: criteria provided, single submitter. Criteria: ACMG Guidelines, 2015. Collection method: clinical testing. Allele origin: germline. Affected: yes.
Comment: The variant is observed at an extremely low frequency in the gnomAD v4.1.0 dataset (total allele frequency: <0.001%). Predicted Consequence/Location: Missense variant. The majority of the known disease-causing variants of this gene are variants expected to result in premature termination of the protein. Damaging effect on gene or gene product predicted by in silico programs is uncertain [REVEL: 0.33 (damaging >=0.6, benign <0.4), 3Cnet: 0.17 (damaging >0.75, benign <0.1)]. The same nucleotide change resulting in the same amino acid change has been previously reported as pathogenic/likely pathogenic with strong evidence (ClinVar ID: VCV001875098 /PMID: 29676012). Therefore, this variant is classified as Likely pathogenic according to the recommendation of ACMG/AMP guideline.

Natera, Inc.
Classification: Likely pathogenic for Autosomal recessive deafness type 77. Last evaluated: 2025-10-21. Review status: criteria provided, single submitter. Criteria: Natera Variant Classification Schema (03/2026). Collection method: clinical testing. Allele origin: germline.
Comment: The c.2641G>A variant in LOXHD1 is a missense variant predicted to cause substitution of glycine to arginine at amino acid 881. This variant is rare in the general population with a frequency below the threshold expected for the associated phenotype(s). This variant has been observed in one or more individuals affected with the associated recessive disease, as either homozygous or compound heterozygous with a second variant (PMID: 29676012, 35711932). Additionally, this variant has been observed to segregate in affected family members (PMID: 29676012). Computational prediction algorithms indicate this variant is likely to affect gene or protein function. Given the available evidence, this variant is classified as Likely Pathogenic.

Women's Health and Genetics/Laboratory Corporation of America, LabCorp
Classification: Likely pathogenic for Nonsyndromic genetic hearing loss. Last evaluated: 2022-12-28. Review status: criteria provided, single submitter. Criteria: LabCorp Variant Classification Summary - May 2015. Collection method: clinical testing. Allele origin: germline.
Comment: Variant summary: LOXHD1 c.2641G>A (p.Gly881Arg) results in a non-conservative amino acid change located in the seventh PLAT domain (Kim_2022) of the encoded protein sequence. Three of five in-silico tools predict a benign effect of the variant on protein function. However, structural analysis of three-dimensional protein models of LOXHD1 have shown that a glycine to arginine mutation at residue 881 affects the stability of the beta-sheet of the PLAT domain, supporting a pathogenic effect of p.Gly881Arg in auditory dysfunction (Kim_2022). The variant allele was found at a frequency of 1.4e-05 in 143346 control chromosomes. c.2641G>A has been reported as a biallelic compound heterozygous genotype in the literature in individuals affected with features of Nonsyndromic Hearing Loss And Deafness, Type 77 (example, Wesdrop_2018, Kim_2022). To our knowledge, no experimental evidence demonstrating an impact on protein function has been reported. No clinical diagnostic laboratories have submitted clinical-significance assessments for this variant to ClinVar after 2014. Based on the evidence outlined above, the variant was classified as likely pathogenic.

Clinical Genetics Service, Universitary Hospital 12 de Octubre
Classification: Pathogenic for Autosomal recessive nonsyndromic hearing loss 77. Review status: criteria provided, single submitter. Criteria: ACMG Guidelines, 2015. Collection method: clinical testing. Allele origin: germline. Affected: yes.

Kariminejad - Najmabadi Pathology & Genetics Center
Classification: Likely pathogenic for Autosomal recessive nonsyndromic hearing loss 77. Review status: criteria provided, single submitter. Criteria: ACMG Guidelines, 2015. Collection method: clinical testing. Allele origin: germline. Affected: no.

Literature cited by the submitters: PubMed 29676012 (cited by 4 submitters); PubMed 33753533 (cited by Labcorp Genetics (formerly Invitae), Labcorp and Women's Health and Genetics/Laboratory Corporation of America, LabCorp); PubMed 35711932 (cited by Natera, Inc.); PubMed 33892339 (cited by Women's Health and Genetics/Laboratory Corporation of America, LabCorp); PubMed 31547530 (cited by Women's Health and Genetics/Laboratory Corporation of America, LabCorp).

NM_001384474.1(LOXHD1):c.2641G>A (p.Gly881Arg)

Gene: LOXHD1 (lipoxygenase homology PLAT domains 1; minus strand). Cytogenetic location: 18q21.1.
Variant type: single nucleotide variant.
Coding change: c.2641G>A on transcript NM_001384474.1 (MANE Select); coding-DNA position 2641, G replaced by A.
Protein change: p.Gly881Arg; replaces glycine 881 with arginine.
Molecular consequence: missense variant.
Genome position (GRCh38, 1-based): chr18:46,560,503, C>T on the plus strand (G>A on the coding strand, the complement: LOXHD1 is on the minus strand). VCF-style: chr18-46560503-C-T. GRCh37 (hg19) VCF-style: chr18-44140466-C-T.
Other names: c.2641G>A, p.Gly881Arg (NM_144612.7); short protein forms G881R.
Identifiers: ClinVar variation 1875098 (VCV001875098.10), dbSNP rs759837659, ClinGen allele CA8952641.